The following is an entry in ClinVar:

ClinVar aggregate classification (germline): Pathogenic (1 of 4 stars; one submission).

Submission:

Labcorp Genetics (formerly Invitae), Labcorp
Classification: Pathogenic. Last evaluated: 2021-11-11. Review status: criteria provided, single submitter. Criteria: Invitae Variant Classification Sherloc (09022015). Collection method: clinical testing. Allele origin: germline.
Comment: This sequence change creates a premature translational stop signal (p.Gln1305*) in the VPS13A gene. It is expected to result in an absent or disrupted protein product. Loss-of-function variants in VPS13A are known to be pathogenic (PMID: 12404112, 21598378). This variant is not present in population databases (gnomAD no frequency). This variant has not been reported in the literature in individuals affected with VPS13A-related conditions. For these reasons, this variant has been classified as Pathogenic.

Literature cited by the submitters: PubMed 12404112; PubMed 21598378.

NM_033305.3(VPS13A):c.3913C>T (p.Gln1305Ter)

Gene: VPS13A (vacuolar protein sorting 13 homolog A; plus strand). Cytogenetic location: 9q21.2.
Variant type: single nucleotide variant.
Coding change: c.3913C>T on transcript NM_033305.3 (MANE Select); coding-DNA position 3913, C replaced by T.
Protein change: p.Gln1305Ter; replaces glutamine 1305 with a stop codon.
Molecular consequence: nonsense.
Genome position (GRCh38, 1-based): chr9:77,303,015, C>T. VCF-style: chr9-77303015-C-T. GRCh37 (hg19) VCF-style: chr9-79917931-C-T.
Other names: c.3796C>T, p.Gln1266Ter (NM_001018037.2); c.3913C>T, p.Gln1305Ter (NM_001018038.3, NM_015186.4); short protein forms Q1266*, Q1305*.
Identifiers: ClinVar variation 1424719 (VCV001424719.6), dbSNP rs2131394544, ClinGen allele CA373852726.